The following is an entry in ClinVar:

ClinVar aggregate classification (germline): Uncertain significance (1 of 4 stars; one submission).

Conditions:
MEGF8-related Carpenter syndrome. Also called: Carpenter syndrome 2. Identifiers: Orphanet 65759, MedGen C3554247, MONDO:0013998, OMIM 614976.

Allele frequency attached by ClinVar (database versions not stated): ExAC 0.00002.

Submission:

Labcorp Genetics (formerly Invitae), Labcorp
Classification: Uncertain significance for MEGF8-related Carpenter syndrome. Last evaluated: 2022-10-04. Review status: criteria provided, single submitter. Criteria: Invitae Variant Classification Sherloc (09022015). Collection method: clinical testing. Allele origin: germline.
Comment: In summary, the available evidence is currently insufficient to determine the role of this variant in disease. Therefore, it has been classified as a Variant of Uncertain Significance. Algorithms developed to predict the effect of missense changes on protein structure and function output the following: SIFT: "Tolerated"; PolyPhen-2: "Benign"; Align-GVGD: "Class C0". The serine amino acid residue is found in multiple mammalian species, which suggests that this missense change does not adversely affect protein function. This variant has not been reported in the literature in individuals affected with MEGF8-related conditions. The frequency data for this variant in the population databases is considered unreliable, as metrics indicate poor data quality at this position in the gnomAD database. This sequence change replaces glycine, which is neutral and non-polar, with serine, which is neutral and polar, at codon 2674 of the MEGF8 protein (p.Gly2674Ser).

NM_001271938.2(MEGF8):c.8221G>A (p.Gly2741Ser)

Gene: MEGF8 (multiple EGF like domains 8; plus strand). Cytogenetic location: 19q13.2.
Variant type: single nucleotide variant.
Coding change: c.8221G>A on transcript NM_001271938.2 (MANE Select); coding-DNA position 8221, G replaced by A.
Protein change: p.Gly2741Ser; replaces glycine 2741 with serine.
Molecular consequence: missense variant.
Genome position (GRCh38, 1-based): chr19:42,376,458, G>A. VCF-style: chr19-42376458-G-A. GRCh37 (hg19) VCF-style: chr19-42880610-G-A.
Other names: c.8020G>A, p.Gly2674Ser (NM_001410.3); short protein forms G2741S, G2674S.
Identifiers: ClinVar variation 2198607 (VCV002198607.4), dbSNP rs765414410, ClinGen allele CA9476350.